The following is an entry in ClinVar:

ClinVar aggregate classification (germline): Uncertain significance. Review status: criteria provided, multiple submitters, no conflicts (2 of 4 stars). 2 submissions from 2 submitters: Uncertain significance (2). Last evaluated 2023-10-28.

Conditions:
Hereditary cancer-predisposing syndrome. Also called: Tumor predisposition; Hereditary Cancer Syndrome; Neoplastic Syndromes, Hereditary; Hereditary neoplastic syndrome. Identifiers: Orphanet 140162, MedGen C0027672, MeSH D009386, MONDO:0015356.

Allele frequency attached by ClinVar (database versions not stated): gnomAD exomes below 0.00001; TOPMed below 0.00001; gnomAD 0.00001.
gnomAD v4.1: 3 of 1,613,116 alleles (0.00019%); highest among the groups gnomAD compares: Non-Finnish European, 0.00025%; no homozygotes.

Submissions (2):

Labcorp Genetics (formerly Invitae), Labcorp
Classification: Uncertain significance. Last evaluated: 2023-10-28. Review status: criteria provided, single submitter. Criteria: Invitae Variant Classification Sherloc (09022015). Collection method: clinical testing. Allele origin: germline.
Comment: This sequence change replaces aspartic acid, which is acidic and polar, with tyrosine, which is neutral and polar, at codon 91 of the NTHL1 protein (p.Asp91Tyr). This variant is not present in population databases (gnomAD no frequency). This variant has not been reported in the literature in individuals affected with NTHL1-related conditions. ClinVar contains an entry for this variant (Variation ID: 1795181). An algorithm developed to predict the effect of missense changes on protein structure and function (PolyPhen-2) suggests that this variant is likely to be tolerated. In summary, the available evidence is currently insufficient to determine the role of this variant in disease. Therefore, it has been classified as a Variant of Uncertain Significance.

Ambry Genetics
Classification: Uncertain significance for Hereditary cancer-predisposing syndrome. Last evaluated: 2022-08-08. Review status: criteria provided, single submitter. Criteria: Ambry Variant Classification Scheme 2023. Collection method: clinical testing. Allele origin: germline.
Comment: The p.D91Y variant (also known as c.271G>T), located in coding exon 2 of the NTHL1 gene, results from a G to T substitution at nucleotide position 271. The aspartic acid at codon 91 is replaced by tyrosine, an amino acid with highly dissimilar properties. This amino acid position is poorly conserved in available vertebrate species. In addition, this alteration is predicted to be tolerated by in silico analysis. Since supporting evidence is limited at this time, the clinical significance of this alteration remains unclear.

NM_002528.7(NTHL1):c.247G>T (p.Asp83Tyr)

Gene: NTHL1 (nth like DNA glycosylase 1; minus strand). Cytogenetic location: 16p13.3.
Variant type: single nucleotide variant.
Coding change: c.247G>T on transcript NM_002528.7 (MANE Select); coding-DNA position 247, G replaced by T.
Protein change: p.Asp83Tyr; replaces aspartic acid 83 with tyrosine.
Molecular consequence: missense variant. On other transcripts: intron variant (1).
Genome position (GRCh38, 1-based): chr16:2,046,235, C>A on the plus strand (G>T on the coding strand, the complement: NTHL1 is on the minus strand). VCF-style: chr16-2046235-C-A. GRCh37 (hg19) VCF-style: chr16-2096236-C-A.
Other names: c.247G>T, p.Asp83Tyr (NM_001318193.2); c.24+45G>T (NM_001318194.2); short protein forms D83Y.
Identifiers: ClinVar variation 1795181 (VCV001795181.5), dbSNP rs1228972041, ClinGen allele CA394297156.